The following is an entry in ClinVar:

NM_001159.4(AOX1):c.2106G>A (p.Pro702=)

Gene: AOX1 (aldehyde oxidase 1; plus strand). Cytogenetic location: 2q33.1.
Variant type: single nucleotide variant.
Coding change: c.2106G>A on transcript NM_001159.4 (MANE Select); coding-DNA position 2106, G replaced by A.
Protein change: p.Pro702=; no amino-acid change (proline 702 retained).
Molecular consequence: synonymous variant.
Genome position (GRCh38, 1-based): chr2:200,623,965, G>A. VCF-style: chr2-200623965-G-A. GRCh37 (hg19) VCF-style: chr2-201488688-G-A.
Other names: c.2106G>A (NM_001159.3).
Identifiers: ClinVar variation 2651812 (VCV002651812.25), dbSNP rs150316811, ClinGen allele CA2049283.

ClinVar aggregate classification (germline): Likely benign. Review status: criteria provided, multiple submitters, no conflicts (2 of 4 stars). 2 submissions from 2 submitters: Likely benign (2). Last evaluated 2024-12-10.

Allele frequency attached by ClinVar (database versions not stated): ExAC 0.00002; gnomAD 0.00007; ESP Exome Variant Server 0.00008; TOPMed 0.00008.
gnomAD v4.1: 87 of 1,613,972 alleles (0.0054%); highest among the groups gnomAD compares: Middle Eastern, 0.049%; no homozygotes.

Submissions (2):

Ambry Genetics
Classification: Likely benign. Last evaluated: 2024-12-10. Review status: criteria provided, single submitter. Criteria: Ambry Variant Classification Scheme 2023. Collection method: clinical testing. Allele origin: germline.

CeGaT Center for Human Genetics Tuebingen
Classification: Likely benign. Last evaluated: 2023-02-01. Review status: criteria provided, single submitter. Criteria: CeGaT Center For Human Genetics Tuebingen Variant Classification Criteria Version 2. Collection method: clinical testing. Allele origin: germline. Affected: yes. Observed: 1 variant allele.
Comment: AOX1: BP4, BP7